The following is an entry in ClinVar:

NM_032608.7(MYO18B):c.6122G>A (p.Arg2041Gln)

Gene: MYO18B (myosin XVIIIB; plus strand). Cytogenetic location: 22q12.1.
Variant type: single nucleotide variant.
Coding change: c.6122G>A on transcript NM_032608.7 (MANE Select); coding-DNA position 6122, G replaced by A.
Protein change: p.Arg2041Gln; replaces arginine 2041 with glutamine.
Molecular consequence: missense variant.
Genome position (GRCh38, 1-based): chr22:25,955,330, G>A. VCF-style: chr22-25955330-G-A. GRCh37 (hg19) VCF-style: chr22-26351296-G-A.
Other names: p.Arg2041Gln; c.6125G>A, p.Arg2042Gln (NM_001318245.2); c.6122G>A (NM_032608.6); short protein forms R2042Q, R2041Q.
Identifiers: ClinVar variation 1435224 (VCV001435224.7), dbSNP rs542324409, ClinGen allele CA10161402.

ClinVar aggregate classification (germline): Uncertain significance. Review status: criteria provided, multiple submitters, no conflicts (2 of 4 stars). 2 submissions from 2 submitters: Uncertain significance (2). Last evaluated 2026-01-30.

Allele frequency attached by ClinVar (database versions not stated): TOPMed 0.00003; ExAC 0.00007; gnomAD exomes 0.00007.
gnomAD v4.1: 90 of 1,613,682 alleles (0.0056%); highest among the groups gnomAD compares: Middle Eastern, 0.084%; 1 homozygote.

Submissions (2):

Labcorp Genetics (formerly Invitae), Labcorp
Classification: Uncertain significance. Last evaluated: 2026-01-30. Review status: criteria provided, single submitter. Criteria: Invitae Variant Classification Sherloc (09022015). Collection method: clinical testing. Allele origin: germline.
Comment: This sequence change replaces arginine, which is basic and polar, with glutamine, which is neutral and polar, at codon 2041 of the MYO18B protein (p.Arg2041Gln). This variant is present in population databases (rs542324409, gnomAD 0.02%). This variant has not been reported in the literature in individuals affected with MYO18B-related conditions. ClinVar contains an entry for this variant (Variation ID: 1435224). An algorithm developed to predict the effect of missense changes on protein structure and function (PolyPhen-2) suggests that this variant is likely to be tolerated. In summary, the available evidence is currently insufficient to determine the role of this variant in disease. Therefore, it has been classified as a Variant of Uncertain Significance.

Mayo Clinic Laboratories, Mayo Clinic
Classification: Uncertain significance. Last evaluated: 2022-06-14. Review status: criteria provided, single submitter. Criteria: ACMG Guidelines, 2015. Collection method: clinical testing. Allele origin: germline. Observed: 1 variant allele.
Comment: PM2